The following is an entry in ClinVar:

ClinVar aggregate classification (germline): Uncertain significance. Review status: criteria provided, multiple submitters, no conflicts (2 of 4 stars). 2 submissions from 2 submitters: Uncertain significance (2). Last evaluated 2025-03-28.

Conditions:
Inborn genetic diseases. Identifiers: MedGen C0950123, MeSH D030342.

gnomAD v4.1: 19 of 1,614,066 alleles (0.0012%); highest among the groups gnomAD compares: East Asian, 0.042%; no homozygotes.

Submissions (2):

Ambry Genetics
Classification: Uncertain significance for Inborn genetic diseases. Last evaluated: 2025-03-28. Review status: criteria provided, single submitter. Criteria: Ambry Variant Classification Scheme 2023. Collection method: clinical testing. Allele origin: germline.

Labcorp Genetics (formerly Invitae), Labcorp
Classification: Uncertain significance. Last evaluated: 2025-01-11. Review status: criteria provided, single submitter. Criteria: Invitae Variant Classification Sherloc (09022015). Collection method: clinical testing. Allele origin: germline.
Comment: This sequence change replaces threonine, which is neutral and polar, with alanine, which is neutral and non-polar, at codon 89 of the SIN3A protein (p.Thr89Ala). This variant is present in population databases (rs763684984, gnomAD 0.01%). This variant has not been reported in the literature in individuals affected with SIN3A-related conditions. An algorithm developed to predict the effect of missense changes on protein structure and function outputs the following: PolyPhen-2: "Benign". The alanine amino acid residue is found in multiple mammalian species, which suggests that this missense change does not adversely affect protein function. In summary, the available evidence is currently insufficient to determine the role of this variant in disease. Therefore, it has been classified as a Variant of Uncertain Significance.

NM_001145358.2(SIN3A):c.265A>G (p.Thr89Ala)

Gene: SIN3A (SIN3 transcription regulator family member A; minus strand). Cytogenetic location: 15q24.2.
Variant type: single nucleotide variant.
Coding change: c.265A>G on transcript NM_001145358.2 (MANE Select); coding-DNA position 265, A replaced by G.
Protein change: p.Thr89Ala; replaces threonine 89 with alanine.
Molecular consequence: missense variant.
Genome position (GRCh38, 1-based): chr15:75,422,748, T>C on the plus strand (A>G on the coding strand, the complement: SIN3A is on the minus strand). VCF-style: chr15-75422748-T-C. GRCh37 (hg19) VCF-style: chr15-75715089-T-C.
Other names: c.265A>G (NM_001145358.1); c.265A>G, p.Thr89Ala (NM_001145357.2, NM_015477.3); short protein forms T89A.
Identifiers: ClinVar variation 3667398 (VCV003667398.3).